The following is an entry in ClinVar:

ClinVar aggregate classification (germline): Pathogenic. Review status: criteria provided, multiple submitters, no conflicts (2 of 4 stars). 2 submissions from 2 submitters: Pathogenic (2). Last evaluated 2025-12-23.

Conditions:
Familial cancer of breast. Also called: Hereditary breast cancer; BREAST CANCER, FAMILIAL; hereditary breast carcinoma. Identifiers: Orphanet 227535, MedGen C0346153, MONDO:0016419, OMIM 114480. Disease mechanism: loss of function.
Hereditary cancer-predisposing syndrome. Also called: Tumor predisposition; Neoplastic Syndromes, Hereditary; Hereditary Cancer Syndrome; Hereditary neoplastic syndrome. Identifiers: Orphanet 140162, MedGen C0027672, MeSH D009386, MONDO:0015356.

Submissions (2):

Ambry Genetics
Classification: Pathogenic for Hereditary cancer-predisposing syndrome. Last evaluated: 2025-12-23. Review status: criteria provided, single submitter. Criteria: Ambry Variant Classification Scheme 2023. Collection method: clinical testing. Allele origin: germline.
Comment: The c.7831_7835delAGTAG pathogenic mutation, located in coding exon 52 of the ATM gene, results from a deletion of 5 nucleotides at nucleotide positions 7831 to 7835, causing a translational frameshift with a predicted alternate stop codon (p.S2611Efs*9). This variant is considered to be rare based on population cohorts in the Genome Aggregation Database (gnomAD). This alteration is expected to result in loss of function by premature protein truncation or nonsense-mediated mRNA decay. As such, this alteration is interpreted as a disease-causing mutation.

Myriad Genetics, Inc.
Classification: Pathogenic for Familial cancer of breast. Last evaluated: 2024-02-01. Review status: criteria provided, single submitter. Criteria: Myriad Autosomal Dominant, Autosomal Recessive and X-Linked Classification Criteria (2023). Collection method: clinical testing. Allele origin: unknown.
Comment: This variant is considered pathogenic. This variant creates a frameshift predicted to result in premature protein truncation.

NM_000051.4(ATM):c.7831_7835del (p.Ser2611fs)

Genes: ATM (ATM serine/threonine kinase; plus strand), C11orf65 (chromosome 11 open reading frame 65; minus strand). Cytogenetic location: 11q22.3.
Variant type: Deletion.
Coding change: c.7831_7835del on transcript NM_000051.4 (MANE Select); coding-DNA positions 7831 to 7835, 5 bases deleted (AGTAG; older notation c.7831_7835delAGTAG).
Protein change: p.Ser2611fs; shifts the reading frame from serine 2611.
Molecular consequence: frameshift variant. On other transcripts: intron variant (2).
Genome position (GRCh38, 1-based): chr11:108,332,804-108,332,808, AGTAG deleted. VCF-style (leftmost placement, unchanged base first): chr11-108332803-AAGTAG-A. GRCh37 (hg19) VCF-style: chr11-108203530-AAGTAG-A.
Other names: c.7831_7835del, p.Ser2611fs (NM_001351834.2); c.641-23737_641-23733del (NM_001330368.2); c.*38+2412_*38+2416del (NM_001351110.2); short protein forms S2611fs.
Identifiers: ClinVar variation 827278 (VCV000827278.7), dbSNP rs1591178362, ClinGen allele CA915948300.
Genomic context (GRCh38, chr11:108,332,803, plus strand): 5'-TTTTGTTTTTTATTAATAGGATCGAACAGAGGCTGCAAATAGAATAATATGTACTATCAG[AAGTAG>A]GAGACCTCAGATGGTCAGAAGTGTTGAGGCACTTTGTGATGCTTATATTATATTAGCAAA-3'